The following is an entry in ClinVar:

ClinVar aggregate classification (germline): Pathogenic. Review status: reviewed by expert panel (3 of 4 stars). 2 submissions from 2 submitters: Pathogenic (1). 1 of the submissions does not count toward it. Last evaluated 2016-09-08.

Conditions:
Hereditary cancer-predisposing syndrome. Also called: Hereditary Cancer Syndrome; Neoplastic Syndromes, Hereditary; Tumor predisposition; Hereditary neoplastic syndrome. Identifiers: Orphanet 140162, MedGen C0027672, MeSH D009386, MONDO:0015356.
Breast-ovarian cancer, familial, susceptibility to, 2 (BROVCA2). Also called: BRCA2 Hereditary Breast and Ovarian Cancer. Identifiers: Orphanet 145, MedGen C2675520, MONDO:0012933, OMIM 612555. Disease mechanism: loss of function.

Submissions (2):

Evidence-based Network for the Interpretation of Germline Mutant Alleles (ENIGMA)
Classification: Pathogenic for Breast-ovarian cancer, familial, susceptibility to, 2. Last evaluated: 2016-09-08. Review status: reviewed by expert panel. Criteria: ENIGMA BRCA1/2 Classification Criteria (2015). Collection method: curation. Allele origin: germline.
Comment: Variant allele predicted to encode a truncated non-functional protein.

Ambry Genetics
Classification: Pathogenic for Hereditary cancer-predisposing syndrome. Last evaluated: 2025-08-12. Review status: criteria provided, single submitter. Criteria: Ambry Variant Classification Scheme 2023. Collection method: clinical testing. Allele origin: germline. Not counted in ClinVar's aggregate classification.
Comment: The p.E832* pathogenic mutation (also known as c.2494G>T), located in coding exon 10 of the BRCA2 gene, results from a G to T substitution at nucleotide position 2494. This changes the amino acid from a glutamic acid to a stop codon within coding exon 10. This alteration is expected to result in loss of function by premature protein truncation or nonsense-mediated mRNA decay. As such, this alteration is interpreted as a disease-causing mutation.

NM_000059.4(BRCA2):c.2494G>T (p.Glu832Ter)

Gene: BRCA2 (BRCA2 DNA repair associated; plus strand). Cytogenetic location: 13q13.1.
Variant type: single nucleotide variant.
Coding change: c.2494G>T on transcript NM_000059.4 (MANE Select); coding-DNA position 2494, G replaced by T.
Protein change: p.Glu832Ter; replaces glutamic acid 832 with a stop codon.
Molecular consequence: nonsense.
Genome position (GRCh38, 1-based): chr13:32,336,849, G>T. VCF-style: chr13-32336849-G-T. GRCh37 (hg19) VCF-style: chr13-32910986-G-T.
Other names: short protein forms E832*.
Identifiers: ClinVar variation 186345 (VCV000186345.5), dbSNP rs786202875, ClinGen allele CA015478.